The following is an entry in ClinVar:

NM_004448.4(ERBB2):c.3689G>A (p.Arg1230Gln)

Gene: ERBB2 (erb-b2 receptor tyrosine kinase 2; plus strand). Cytogenetic location: 17q12.
Variant type: single nucleotide variant.
Coding change: c.3689G>A on transcript NM_004448.4 (MANE Select); coding-DNA position 3689, G replaced by A.
Protein change: p.Arg1230Gln; replaces arginine 1230 with glutamine.
Molecular consequence: missense variant. On other transcripts: 3 prime UTR variant (2), non-coding transcript variant (1).
Genome position (GRCh38, 1-based): chr17:39,727,965, G>A. VCF-style: chr17-39727965-G-A. GRCh37 (hg19) VCF-style: chr17-37884218-G-A.
Other names: c.3599G>A, p.Arg1200Gln (NM_001005862.3, NM_001382782.1, NM_001382783.1); c.3644G>A, p.Arg1215Gln (NM_001289936.2); c.*268G>A (NM_001289937.2, NM_001382803.1); c.3806G>A, p.Arg1269Gln (NM_001382784.1); c.3791G>A, p.Arg1264Gln (NM_001382785.1); c.3770G>A, p.Arg1257Gln (NM_001382786.1); c.3764G>A, p.Arg1255Gln (NM_001382787.1); c.3719G>A, p.Arg1240Gln (NM_001382788.1); and 16 more; short protein forms R1170Q, R1197Q, R1200Q, R1214Q, R1237Q, R1255Q, R1162Q, R1178Q.
Identifiers: ClinVar variation 2169413 (VCV002169413.4), dbSNP rs372043866, ClinGen allele CA8534602.

ClinVar aggregate classification (germline): Uncertain significance (1 of 4 stars; one submission).

Allele frequency attached by ClinVar (database versions not stated): ESP Exome Variant Server 0.00008.
gnomAD v4.1: 23 of 1,613,582 alleles (0.0014%); highest among the groups gnomAD compares: Middle Eastern, 0.016%; no homozygotes.

Submission:

Labcorp Genetics (formerly Invitae), Labcorp
Classification: Uncertain significance. Last evaluated: 2023-08-28. Review status: criteria provided, single submitter. Criteria: Invitae Variant Classification Sherloc (09022015). Collection method: clinical testing. Allele origin: germline.
Comment: In summary, the available evidence is currently insufficient to determine the role of this variant in disease. Therefore, it has been classified as a Variant of Uncertain Significance. Algorithms developed to predict the effect of missense changes on protein structure and function output the following: SIFT: "Not Available"; PolyPhen-2: "Benign"; Align-GVGD: "Not Available". The glutamine amino acid residue is found in multiple mammalian species, which suggests that this missense change does not adversely affect protein function. ClinVar contains an entry for this variant (Variation ID: 2169413). This variant has not been reported in the literature in individuals affected with ERBB2-related conditions. This variant is present in population databases (rs372043866, gnomAD 0.03%). This sequence change replaces arginine, which is basic and polar, with glutamine, which is neutral and polar, at codon 1230 of the ERBB2 protein (p.Arg1230Gln).